The following is an entry in ClinVar:

NM_172107.4(KCNQ2):c.1735C>G (p.Leu579Val)

Gene: KCNQ2 (potassium voltage-gated channel subfamily Q member 2; minus strand). Cytogenetic location: 20q13.33.
Variant type: single nucleotide variant.
Coding change: c.1735C>G on transcript NM_172107.4 (MANE Select); coding-DNA position 1735, C replaced by G.
Protein change: p.Leu579Val; replaces leucine 579 with valine.
Molecular consequence: missense variant.
Genome position (GRCh38, 1-based): chr20:63,413,478, G>C on the plus strand (C>G on the coding strand, the complement: KCNQ2 is on the minus strand). VCF-style: chr20-63413478-G-C. GRCh37 (hg19) VCF-style: chr20-62044831-G-C.
Other names: c.1681C>G, p.Leu561Val (NM_001382235.1, NM_172106.3); c.1651C>G, p.Leu551Val (NM_004518.6); c.1642C>G, p.Leu548Val (NM_172108.5); short protein forms L548V, L561V, L579V, L551V.
Identifiers: ClinVar variation 2780448 (VCV002780448.3), dbSNP rs1060499545, ClinGen allele CA409643441.

ClinVar aggregate classification (germline): Likely pathogenic (1 of 4 stars; one submission).

Conditions:
Early-infantile DEE. Also called: Ohtahara syndrome; Early infantile epileptic encephalopathy; Early infantile epileptic encephalopathy with suppression bursts. Identifiers: Orphanet 1934, MedGen C0393706, MONDO:0800491.

Submission:

Labcorp Genetics (formerly Invitae), Labcorp
Classification: Likely pathogenic for Early-infantile DEE. Last evaluated: 2023-04-13. Review status: criteria provided, single submitter. Criteria: Invitae Variant Classification Sherloc (09022015). Collection method: clinical testing. Allele origin: germline.
Comment: This variant is not present in population databases (gnomAD no frequency). This sequence change replaces leucine, which is neutral and non-polar, with valine, which is neutral and non-polar, at codon 579 of the KCNQ2 protein (p.Leu579Val). This missense change has been observed in individual(s) with clinical features of benign familial neonatal epileptic encephalopathy (PMID: 34136434; Invitae). In at least one individual the variant was observed to be de novo. In summary, the currently available evidence indicates that the variant is pathogenic, but additional data are needed to prove that conclusively. Therefore, this variant has been classified as Likely Pathogenic. An algorithm developed to predict the effect of missense changes on protein structure and function (PolyPhen-2) suggests that this variant is likely to be disruptive.

Literature cited by the submitters: PubMed 34136434.